The following is an entry in ClinVar:

NM_000054.7(AVPR2):c.290T>C (p.Leu97Pro)

Gene: AVPR2 (arginine vasopressin receptor 2; plus strand). Cytogenetic location: Xq28.
Variant type: single nucleotide variant.
Coding change: c.290T>C on transcript NM_000054.7 (MANE Select); coding-DNA position 290, T replaced by C.
Protein change: p.Leu97Pro; replaces leucine 97 with proline.
Molecular consequence: missense variant.
Genome position (GRCh38, 1-based): chrX:153,905,796, T>C. VCF-style: chrX-153905796-T-C. GRCh37 (hg19) VCF-style: chrX-153171250-T-C.
Other names: c.290T>C, p.Leu97Pro (NM_001146151.3); short protein forms L97P.
Identifiers: ClinVar variation 35738 (VCV000035738.3), dbSNP rs193922113, ClinGen allele CA260159.
Genomic context (GRCh38, chrX:153,905,796, plus strand): 5'-TCATTGGCCACTTGTGCCTGGCCGACCTGGCCGTGGCTCTGTTCCAAGTGCTGCCCCAGC[T>C]GGCCTGGAAGGCCACCGACCGCTTCCGTGGGCCAGATGCCCTGTGTCGGGCCGTGAAGTA-3'
Protein context (NP_000045.1, residues 87-107): AVALFQVLPQ[Leu97Pro]AWKATDRFRG

ClinVar aggregate classification (germline): Likely pathogenic (1 of 4 stars; one submission).

Conditions:
Nephrogenic diabetes insipidus. Identifiers: Orphanet 223, MedGen C0162283, MONDO:0016383, HP:0009806.

Submission:

Women's Health and Genetics/Laboratory Corporation of America, LabCorp
Classification: Likely pathogenic for Nephrogenic Diabetes Insipidus. Last evaluated: 2011-08-18. Review status: criteria provided, single submitter. Criteria: LabCorp Variant Classification Summary - May 2015. Collection method: curation, clinical testing. Allele origin: germline. Inheritance: Xlinked unknown. Affected: yes.
ClinVar note: Converted during submission from likely pathogenic to Likely pathogenic.